The following is an entry in ClinVar:

ClinVar aggregate classification (germline): Uncertain significance (1 of 4 stars; one submission).

Conditions:
TMEM67-related disorder. Also called: TMEM67-related condition; TMEM67-related disorders. Identifiers: MedGen CN239423.

Submission:

PreventionGenetics, part of Exact Sciences
Classification: Uncertain significance for TMEM67-related condition. Last evaluated: 2026-05-16. Review status: criteria provided, single submitter. Criteria: ACMG Guidelines, 2015. Collection method: clinical testing. Allele origin: germline.
Comment: The TMEM67 c.2740A>T variant is predicted to result in the amino acid substitution p.Met914Leu. To our knowledge, this variant has not been reported in the literature or in a large population database (gnomAD), indicating this variant is rare. At this time, the clinical significance of this variant is uncertain due to the absence of conclusive functional and genetic evidence.

NM_153704.6(TMEM67):c.2740A>T (p.Met914Leu)

Gene: TMEM67 (transmembrane protein 67; plus strand). Cytogenetic location: 8q22.1.
Variant type: single nucleotide variant.
Coding change: c.2740A>T on transcript NM_153704.6 (MANE Select); coding-DNA position 2740, A replaced by T.
Protein change: p.Met914Leu; replaces methionine 914 with leucine.
Molecular consequence: missense variant. On other transcripts: non-coding transcript variant (1).
Genome position (GRCh38, 1-based): chr8:93,809,863, A>T. VCF-style: chr8-93809863-A-T. GRCh37 (hg19) VCF-style: chr8-94822091-A-T.
Other names: c.2497A>T, p.Met833Leu (NM_001142301.1); short protein forms M914L, M833L.
Identifiers: ClinVar variation 4994987 (VCV004994987.1).